The following is an entry in ClinVar:

NM_015338.6(ASXL1):c.1930G>T (p.Gly644Trp)

Gene: ASXL1 (ASXL transcriptional regulator 1; plus strand). Cytogenetic location: 20q11.21.
Variant type: single nucleotide variant.
Coding change: c.1930G>T on transcript NM_015338.6 (MANE Select); coding-DNA position 1930, G replaced by T.
Protein change: p.Gly644Trp; replaces glycine 644 with tryptophan.
Molecular consequence: missense variant.
Genome position (GRCh38, 1-based): chr20:32,434,642, G>T. VCF-style: chr20-32434642-G-T. GRCh37 (hg19) VCF-style: chr20-31022445-G-T.
Other names: c.1747G>T, p.Gly583Trp (NM_001363734.1); short protein forms G583W, G644W.
Identifiers: ClinVar variation 3438227 (VCV003438227.1).

ClinVar aggregate classification (germline): Uncertain significance (1 of 4 stars; one submission).

Conditions:
Inborn genetic diseases. Identifiers: MedGen C0950123, MeSH D030342.

gnomAD v4.1: 5 of 1,607,394 alleles (0.00031%); highest among the groups gnomAD compares: African/African-American, 0.004%; no homozygotes.

Submission:

Ambry Genetics
Classification: Uncertain significance for Inborn genetic diseases. Last evaluated: 2024-11-18. Review status: criteria provided, single submitter. Criteria: Ambry Variant Classification Scheme 2023. Collection method: clinical testing. Allele origin: germline.
Comment: The p.G644W variant (also known as c.1930G>T), located in coding exon 13 of the ASXL1 gene, results from a G to T substitution at nucleotide position 1930. The glycine at codon 644 is replaced by tryptophan, an amino acid with highly dissimilar properties. This amino acid position is conserved. In addition, this alteration is predicted to be tolerated by in silico analysis. Based on the available evidence, the clinical significance of this variant remains unclear.